The following is an entry in ClinVar:

ClinVar aggregate classification (germline): Uncertain significance (1 of 4 stars; one submission).

gnomAD v4.1: 3 of 1,613,088 alleles (0.00019%); highest among the groups gnomAD compares: African/African-American, 0.0013%; no homozygotes.

Submission:

Labcorp Genetics (formerly Invitae), Labcorp
Classification: Uncertain significance. Last evaluated: 2024-09-26. Review status: criteria provided, single submitter. Criteria: Invitae Variant Classification Sherloc (09022015). Collection method: clinical testing. Allele origin: germline.
Comment: This sequence change replaces glycine, which is neutral and non-polar, with serine, which is neutral and polar, at codon 407 of the ANGPT1 protein (p.Gly407Ser). This variant is not present in population databases (gnomAD no frequency). This variant has not been reported in the literature in individuals affected with ANGPT1-related conditions. An algorithm developed to predict the effect of missense changes on protein structure and function (PolyPhen-2) suggests that this variant is likely to be tolerated. In summary, the available evidence is currently insufficient to determine the role of this variant in disease. Therefore, it has been classified as a Variant of Uncertain Significance.

NM_001146.5(ANGPT1):c.1219G>A (p.Gly407Ser)

Gene: ANGPT1 (angiopoietin 1; minus strand). Cytogenetic location: 8q23.1.
Variant type: single nucleotide variant.
Coding change: c.1219G>A on transcript NM_001146.5 (MANE Select); coding-DNA position 1219, G replaced by A.
Protein change: p.Gly407Ser; replaces glycine 407 with serine.
Molecular consequence: missense variant.
Genome position (GRCh38, 1-based): chr8:107,264,338, C>T on the plus strand (G>A on the coding strand, the complement: ANGPT1 is on the minus strand). VCF-style: chr8-107264338-C-T. GRCh37 (hg19) VCF-style: chr8-108276566-C-T.
Other names: c.1216G>A, p.Gly406Ser (NM_001199859.3); c.619G>A, p.Gly207Ser (NM_001314051.2); short protein forms G207S, G407S, G406S.
Identifiers: ClinVar variation 3721588 (VCV003721588.2).